The following is an entry in ClinVar:

NM_000155.4(GALT):c.213dup (p.Asn72fs)

Genes: GALT (galactose-1-phosphate uridylyltransferase; plus strand), LOC130001683 (ATAC-STARR-seq lymphoblastoid active region 28314; plus strand). Cytogenetic location: 9p13.3.
Variant type: Duplication.
Coding change: c.213dup on transcript NM_000155.4 (MANE Select); coding-DNA position 213, one base duplicated (C; older notation c.213dupC).
Protein change: p.Asn72fs; shifts the reading frame from asparagine 72.
Molecular consequence: frameshift variant.
Genome position (GRCh38, 1-based): chr9:34,647,219, C duplicated. VCF-style (leftmost placement, unchanged base first): chr9-34647218-T-TC. GRCh37 (hg19) VCF-style: chr9-34647215-T-TC.
Other names: c.11dup, p.Thr5fs (NM_001258332.2); short protein forms N72fs, T5fs.
Identifiers: ClinVar variation 1722333 (VCV001722333.9), dbSNP rs2492862390, ClinGen allele CA2580080374.

ClinVar aggregate classification (germline): Pathogenic/Likely pathogenic. Review status: criteria provided, multiple submitters, no conflicts (2 of 4 stars). 4 submissions from 4 submitters: Pathogenic (1); Likely pathogenic (3). Last evaluated 2024-10-02.

Conditions:
Galactosemia. Also called: Galactose intolerance. Identifiers: Orphanet 352, MedGen C0016952, MONDO:0018116, HP:0004919. Disease mechanism: loss of function.
Deficiency of UDPglucose-hexose-1-phosphate uridylyltransferase. Also called: GALACTOSE-1-PHOSPHATE URIDYLYLTRANSFERASE DEFICIENCY; GALT deficiency; Galactosemia, classic; GALACTOSEMIA I; Transferase Deficiency Galactosemia. Identifiers: Orphanet 352, Orphanet 79239, MedGen C0268151, MONDO:0009258, OMIM 230400.

Allele frequency attached by ClinVar (database versions not stated): gnomAD exomes below 0.00001.

Submissions (4):

Natera, Inc.
Classification: Likely pathogenic for Galactosemia. Last evaluated: 2024-10-02. Review status: criteria provided, single submitter. Criteria: Natera Variant Classification Schema (03/2026). Collection method: clinical testing. Allele origin: germline.
Comment: The c.213dupC variant in GALT is a frameshift variant predicted to shift the reading frame beginning at codon 72 and leads to a stop codon 20 codons downstream. This variant is expected to result in nonsense mediated decay, truncation, or a dysfunctional protein product. This variant is rare in the general population with a frequency below the threshold expected for the associated phenotype(s). Given the available evidence, this variant is classified as Likely Pathogenic.

Baylor Genetics
Classification: Likely pathogenic for Deficiency of UDPglucose-hexose-1-phosphate uridylyltransferase. Last evaluated: 2024-03-09. Review status: criteria provided, single submitter. Criteria: ACMG Guidelines, 2015. Collection method: clinical testing. Allele origin: unknown.

Women's Health and Genetics/Laboratory Corporation of America, LabCorp
Classification: Likely pathogenic for Deficiency of UDPglucose-hexose-1-phosphate uridylyltransferase. Last evaluated: 2022-09-27. Review status: criteria provided, single submitter. Criteria: LabCorp Variant Classification Summary - May 2015. Collection method: clinical testing. Allele origin: germline.
Comment: Variant summary: GALT c.213dupC (p.Asn72GlnfsX20) results in a premature termination codon, predicted to cause a truncation of the encoded protein or absence of the protein due to nonsense mediated decay, which are commonly known mechanisms for disease. Truncations downstream of this position have been classified as pathogenic by our laboratory. The variant was absent in 251350 control chromosomes. To our knowledge, no occurrence of c.213dupC in individuals affected with Galactosemia and no experimental evidence demonstrating its impact on protein function have been reported. No clinical diagnostic laboratories have submitted clinical-significance assessments for this variant to ClinVar after 2014. Based on the evidence outlined above, the variant was classified as likely pathogenic.

Labcorp Genetics (formerly Invitae), Labcorp
Classification: Pathogenic for Deficiency of UDPglucose-hexose-1-phosphate uridylyltransferase. Last evaluated: 2022-07-25. Review status: criteria provided, single submitter. Criteria: Invitae Variant Classification Sherloc (09022015). Collection method: clinical testing. Allele origin: germline.
Comment: This variant has not been reported in the literature in individuals affected with GALT-related conditions. This variant is not present in population databases (gnomAD no frequency). This sequence change creates a premature translational stop signal (p.Asn72Glnfs*20) in the GALT gene. It is expected to result in an absent or disrupted protein product. Loss-of-function variants in GALT are known to be pathogenic (PMID: 22944367). For these reasons, this variant has been classified as Pathogenic.

Literature cited by the submitters: PubMed 22944367 (cited by Labcorp Genetics (formerly Invitae), Labcorp).